The following is an entry in ClinVar:

NM_001127222.2(CACNA1A):c.788A>G (p.Asp263Gly)

Gene: CACNA1A (calcium voltage-gated channel subunit alpha1 A; minus strand). Cytogenetic location: 19p13.13.
Variant type: single nucleotide variant.
Coding change: c.788A>G on transcript NM_001127222.2 (MANE Select); coding-DNA position 788, A replaced by G.
Protein change: p.Asp263Gly; replaces aspartic acid 263 with glycine.
Molecular consequence: missense variant.
Genome position (GRCh38, 1-based): chr19:13,359,796, T>C on the plus strand (A>G on the coding strand, the complement: CACNA1A is on the minus strand). VCF-style: chr19-13359796-T-C. GRCh37 (hg19) VCF-style: chr19-13470610-T-C.
Other names: c.788A>G, p.Asp263Gly (NM_000068.4, NM_001127221.2, NM_001174080.2 and 1 more transcripts); short protein forms D263G.
Identifiers: ClinVar variation 1879425 (VCV001879425.29), dbSNP rs2059070159, ClinGen allele CA404347424.
Genomic context (GRCh38, chr19:13,359,796, plus strand): 5'-TTGGGGCAGGTGCGGGCGGGCTCTTCTGTCCCACATGGAGCCGGAGACTCACCCTGAATG[T>C]CATCTACAAAAGGGAAGGGGAGAAAAGTCAGGGGAAGGAGCAGGGAAAACCAGCTCTGAG-3'
Protein context (NP_001120694.1, residues 253-273): HTTCFEEGTD[Asp263Gly]IQGESPAPCG

ClinVar aggregate classification (germline): Uncertain significance (1 of 4 stars; one submission).

Submission:

CeGaT Center for Human Genetics Tuebingen
Classification: Uncertain significance. Last evaluated: 2022-11-01. Review status: criteria provided, single submitter. Criteria: CeGaT Center For Human Genetics Tuebingen Variant Classification Criteria Version 2. Collection method: clinical testing. Allele origin: germline. Affected: yes. Observed: 1 variant allele.
Comment: CACNA1A: PM2, PP2